The following is an entry in ClinVar:

NM_001267550.2(TTN):c.22475C>G (p.Ser7492Ter)

Gene: TTN (titin; minus strand). Cytogenetic location: 2q31.2.
Variant type: single nucleotide variant.
Coding change: c.22475C>G on transcript NM_001267550.2 (MANE Select); coding-DNA position 22475, C replaced by G.
Protein change: p.Ser7492Ter; replaces serine 7492 with a stop codon.
Molecular consequence: nonsense. On other transcripts: intron variant (3).
Genome position (GRCh38, 1-based): chr2:178,722,312, G>C on the plus strand (C>G on the coding strand, the complement: TTN is on the minus strand). VCF-style: chr2-178722312-G-C. GRCh37 (hg19) VCF-style: chr2-179587039-G-C.
Other names: c.21524C>G, p.Ser7175Ter (NM_001256850.1); c.18743C>G, p.Ser6248Ter (NM_133378.4); c.13282+15770C>G (NM_003319.4); c.13858+15770C>G (NM_133437.4); c.13657+15770C>G (NM_133432.3); short protein forms S6248*, S7175*, S7492*.
Identifiers: ClinVar variation 3752922 (VCV003752922.2).

ClinVar aggregate classification (germline): Likely pathogenic (1 of 4 stars; one submission).

Conditions:
Autosomal recessive limb-girdle muscular dystrophy type 2J (LGMDR10). Also called: Limb-girdle muscular dystrophy, type 2J; MUSCULAR DYSTROPHY, LIMB-GIRDLE, AUTOSOMAL RECESSIVE 10. Identifiers: Orphanet 140922, MedGen C1837342, MONDO:0012127, OMIM 608807.
Dilated cardiomyopathy 1G (CMD1G). Identifiers: Orphanet 154, MedGen C1858763, MONDO:0011400, OMIM 604145.

Submission:

Labcorp Genetics (formerly Invitae), Labcorp
Classification: Likely pathogenic for Dilated cardiomyopathy 1G; Autosomal recessive limb-girdle muscular dystrophy type 2J. Last evaluated: 2024-09-02. Review status: criteria provided, single submitter. Criteria: Invitae Variant Classification Sherloc (09022015). Collection method: clinical testing. Allele origin: germline.
Comment: This sequence change creates a premature translational stop signal (p.Ser7492*) in the TTN gene. While this is not anticipated to result in nonsense mediated decay, it is expected to create a truncated TTN protein. This variant is not present in population databases (gnomAD no frequency). This variant has not been reported in the literature in individuals affected with TTN-related conditions. This variant is located in the I band of TTN (PMID: 25589632). Truncating variants in this region have been reported in individuals affected with autosomal recessive centronuclear myopathy (PMID: 23975875, internal data). Truncating variants in this region have also been identified in individuals affected with autosomal dominant dilated cardiomyopathy and/or cardio-related conditions (PMID: 27869827, 32964742, internal data). In summary, the currently available evidence indicates that the variant is pathogenic, but additional data are needed to prove that conclusively. Therefore, this variant has been classified as Likely Pathogenic.

Literature cited by the submitters: PubMed 25589632; PubMed 23975875; PubMed 27869827; PubMed 32964742.